The following is an entry in ClinVar:

ClinVar aggregate classification (germline): Pathogenic (1 of 4 stars; one submission).

Submission:

GeneDx
Classification: Pathogenic. Last evaluated: 2018-08-28. Review status: criteria provided, single submitter. Criteria: GeneDx Variant Classification (06012015). Collection method: clinical testing. Allele origin: germline. Affected: yes.
Comment: The c.2097dupC variant in the SETD5 gene has not been published as a pathogenic variant, nor has it been reported as a benign variant to our knowledge. This variant is not observed in large population cohorts (Lek et al., 2016). The c.2097dupC variant causes a frameshift starting with codon Lysine 700, changes this amino acid to a Glutamine residue, and creates a premature Stop codon at position 11 of the new reading frame, denoted p.Lys700GlnfsX11. This variant is predicted to cause loss of normal protein function either through protein truncation or nonsense-mediated mRNA decay. Therefore, we interpret c.2097dupC as a pathogenic variant.

NM_001080517.3(SETD5):c.2097dup (p.Lys700fs)

Gene: SETD5 (SET domain containing 5; plus strand). Cytogenetic location: 3p25.3.
Variant type: Duplication.
Coding change: c.2097dup on transcript NM_001080517.3 (MANE Select); coding-DNA position 2097, one base duplicated (C; older notation c.2097dupC).
Protein change: p.Lys700fs; shifts the reading frame from lysine 700.
Molecular consequence: frameshift variant.
Genome position (GRCh38, 1-based): chr3:9,448,000, C duplicated; the last of 2 consecutive C bases (chr3:9,447,999-9,448,000); duplicating either gives the same sequence. VCF-style (leftmost placement, unchanged base first): chr3-9447998-A-AC. GRCh37 (hg19) VCF-style: chr3-9489682-A-AC.
Other names: c.1803dup, p.Lys602fs (NM_001292043.2, NM_001349451.2); short protein forms K602fs, K700fs.
Identifiers: ClinVar variation 817205 (VCV000817205.1), dbSNP rs1575472601, ClinGen allele CA915941817.
Genomic context (GRCh38, chr3:9,447,998, plus strand): 5'-CCAACTGTGGTGTCAATTACTGGATCCCATGTCAACCGTGCTGCATCTAAATACCCCAAA[A>AC]CCAAAAAGGTAAGTCACAAATGCATCCTTTATAAGTCCAGTCTGGCAAGGGCTGTCTTAG-3'